The following is an entry in ClinVar:

ClinVar aggregate classification (germline): Uncertain significance (1 of 4 stars; one submission).

gnomAD v4.1: 1 of 1,614,126 alleles (0.000062%); highest among the groups gnomAD compares: Non-Finnish European, 0.000085%; no homozygotes.

Submission:

Labcorp Genetics (formerly Invitae), Labcorp
Classification: Uncertain significance. Last evaluated: 2024-11-30. Review status: criteria provided, single submitter. Criteria: Invitae Variant Classification Sherloc (09022015). Collection method: clinical testing. Allele origin: germline.
Comment: This sequence change replaces threonine, which is neutral and polar, with alanine, which is neutral and non-polar, at codon 905 of the COL11A1 protein (p.Thr905Ala). This variant is not present in population databases (gnomAD no frequency). This variant has not been reported in the literature in individuals affected with COL11A1-related conditions. Invitae Evidence Modeling of protein sequence and biophysical properties (such as structural, functional, and spatial information, amino acid conservation, physicochemical variation, residue mobility, and thermodynamic stability) indicates that this missense variant is not expected to disrupt COL11A1 protein function with a negative predictive value of 80%. In summary, the available evidence is currently insufficient to determine the role of this variant in disease. Therefore, it has been classified as a Variant of Uncertain Significance.

NM_001854.4(COL11A1):c.2713A>G (p.Thr905Ala)

Gene: COL11A1 (collagen type XI alpha 1 chain; minus strand). Cytogenetic location: 1p21.1.
Variant type: single nucleotide variant.
Coding change: c.2713A>G on transcript NM_001854.4 (MANE Select); coding-DNA position 2713, A replaced by G.
Protein change: p.Thr905Ala; replaces threonine 905 with alanine.
Molecular consequence: missense variant. On other transcripts: non-coding transcript variant (1).
Genome position (GRCh38, 1-based): chr1:102,978,749, T>C on the plus strand (A>G on the coding strand, the complement: COL11A1 is on the minus strand). VCF-style: chr1-102978749-T-C. GRCh37 (hg19) VCF-style: chr1-103444305-T-C.
Other names: c.2596A>G, p.Thr866Ala (NM_001190709.2); c.2749A>G, p.Thr917Ala (NM_080629.3); c.2365A>G, p.Thr789Ala (NM_080630.4); short protein forms T789A, T917A, T866A, T905A.
Identifiers: ClinVar variation 3670331 (VCV003670331.2).
Genomic context (GRCh38, chr1:102,978,749, plus strand): 5'-GTGGCTGTATCATACGTACTCTTTCACCTGGAGGGCCAGGAGGGCCATCGCCACCTGAAG[T>C]GCCCTGGCACCAAGAAAAGAAAAGAAAAATCAGTTTGAATTCTTTCTCATAGCATCTGCC-3'
Protein context (NP_001845.3, residues 895-915): GPTGKPGPKG[Thr905Ala]SGGDGPPGPP